The following is an entry in ClinVar:

ClinVar aggregate classification (germline): Pathogenic/Likely pathogenic. Review status: criteria provided, multiple submitters, no conflicts (2 of 4 stars). 51 submissions from 51 submitters: Pathogenic (37); Likely pathogenic (2). 12 of the submissions do not count toward it. Last evaluated 2026-09-01.

Conditions:
Autosomal recessive OCA2-related disorders.
OCA2-related disorder. Also called: OCA2-related condition.
Albinism or congenital nystagmus.
Inborn genetic diseases. Identifiers: MedGen C0950123, MeSH D030342.
SKIN/HAIR/EYE PIGMENTATION 1, BLUE/NONBLUE EYES (SHEP1). Also called: BROWN EYE COLOR 2; EYE COLOR 3; EYE COLOR, BLUE/NONBLUE; EYE COLOR, BROWN/BLUE; HAIR COLOR 3; SKIN/HAIR/EYE PIGMENTATION 1, BLOND/BROWN HAIR. Identifiers: MedGen C1856895, OMIM 227220.
Tyrosinase-positive oculocutaneous albinism (OCA2). Also called: ALBINISM II; Oculocutaneous albinism type 2; Albinism, oculocutaneous, type II. Identifiers: Orphanet 79432, MedGen C0268495, MONDO:0008746, OMIM 203200.

Allele frequency attached by ClinVar (database versions not stated): 1000 Genomes Project 30x 0.00078; gnomAD 0.00350 and 0.00343; 1000 Genomes Project 0.00080; ExAC 0.00285; gnomAD exomes 0.00305 and 0.00626; TOPMed 0.00351; ESP Exome Variant Server 0.00492.
gnomAD v4.1: 9,545 of 1,613,948 alleles (0.59%); highest among the groups gnomAD compares: Non-Finnish European, 0.75%; 39 homozygotes.

Submissions 1 to 10 of 51:

CeGaT Center for Human Genetics Tuebingen
Classification: Pathogenic. Last evaluated: 2026-09-01. Review status: criteria provided, single submitter. Criteria: CeGaT Center For Human Genetics Tuebingen Variant Classification Criteria Version 2. Collection method: clinical testing. Allele origin: germline. Affected: yes. Observed: 19 variant alleles.
Comment: OCA2: PM3:Very Strong, PM2, PS3:Supporting

PreventionGenetics, part of Exact Sciences
Classification: Pathogenic for OCA2-related condition. Last evaluated: 2026-08-27. Review status: criteria provided, single submitter. Criteria: ACMG Guidelines, 2015. Collection method: clinical testing. Allele origin: germline.
Comment: The OCA2 c.1327G>A variant is predicted to result in the amino acid substitution p.Val443Ile. This variant has been reported to be causative for autosomal recessive oculocutaneous albinism when present with a second pathogenic variant in OCA2 (see for examples: Lee et al. 1994. PubMed ID: 8302318; Preising et al. 2007. PubMed ID: 17960121; Marti et al. 2018. PubMed ID: 28976636). This variant is present in 0.51% of alleles in individuals of European (Non-Finnish) descent in gnomAD, including 39 homozygous individuals in the latest dataset (gnomAD v4.1.0), indicating this variant is relatively common. This variant has been classified as pathogenic by multiple independent submitters to the ClinVar database (Variation ID: 955). Given the evidence, we interpret this variant as pathogenic.

Ambry Genetics
Classification: Pathogenic for Inborn genetic diseases. Last evaluated: 2026-07-23. Review status: criteria provided, single submitter. Criteria: Ambry Variant Classification Scheme 2023. Collection method: clinical testing. Allele origin: germline.
Comment: The c.1327G>A (p.V443I) alteration is located in exon 13 (coding exon 12) of the OCA2 gene. This alteration results from a G to A substitution at nucleotide position 1327, causing the valine (V) at amino acid position 443 to be replaced by an isoleucine (I). Based on data from gnomAD, the A allele has an overall frequency of 0.306% (860/281442) total alleles studied. The highest observed frequency was 0.51% (653/128140) of European (non-Finnish) alleles. The OCA2 c.1327G>A (p.V443I) alteration is one of the most common pathogenic variants in OCA2 and has been identified in homozygous state and in trans with other pathogenic variants in multiple unrelated individuals with oculocutaneous albinism type II (Lee, 1994; Passmore, 1999; Oetting, 2005; Hutton, 2008; Marti, 2018; Wei, 2022). This amino acid position is highly conserved in available vertebrate species. Functional analysis demonstrated that transfection of the p.V433I mutant protein into immortalized melanocytes that are null for OCA2 was unable to correct for deficient melanin biosynthesis and hypopigmentation compared to cells transfected with wild-type protein (Sviderskaya, 1997). Additionally, Bellono (2014) showed that OCA2 mediates chloride-selective anion conductance and although mutant V443I localization remains intact, it had significantly reduced amplitudes compared to wild-type OCA2. This alteration is predicted to be deleterious by in silico analysis. Based on the available evidence, this alteration is classified as pathogenic.

Wales Gene Park, Division Of Cancer and Genetics, Cardiff University
Classification: Pathogenic for Tyrosinase-positive oculocutaneous albinism. Last evaluated: 2026-04-28. Review status: criteria provided, single submitter. Criteria: ACGS Best Practice Guidelines for Variant Classification in Rare Disease 2024. Collection method: research. Allele origin: inherited. Inheritance: Autosomal recessive inheritance. Affected: yes. Study: 100,000 Genomes Project (Wales).
Comment: Inherited OCA2 missense variant detected by trio genome sequencing. REVEL score 0.747. Evidence codes: PP3, PM5, PM3_strong.

OLLIN Analises Genomicas, OLLIN
Classification: Pathogenic for SKIN/HAIR/EYE PIGMENTATION 1, BLUE/NONBLUE EYES. Last evaluated: 2026-02-13. Review status: criteria provided, single submitter. Criteria: ACMG Guidelines 2015 PMID 25741868. Collection method: clinical testing. Allele origin: germline. Observed: 2 variant alleles.
Comment: PS3_P, PM3_VS, PM5, PP3

Labcorp Genetics (formerly Invitae), Labcorp
Classification: Pathogenic. Last evaluated: 2026-02-04. Review status: criteria provided, single submitter. Criteria: Invitae Variant Classification Sherloc (09022015). Collection method: clinical testing. Allele origin: germline.
Comment: This sequence change replaces valine, which is neutral and non-polar, with isoleucine, which is neutral and non-polar, at codon 443 of the OCA2 protein (p.Val443Ile). This variant is present in population databases (rs121918166, gnomAD 0.5%), and has an allele count higher than expected for a pathogenic variant. This missense change has been observed in individual(s) with oculocutaneous albinism (PMID: 8302318, 17960121, 20301410, 28976636, 29345414). In at least one individual the data is consistent with being in trans (on the opposite chromosome) from a pathogenic variant. ClinVar contains an entry for this variant (Variation ID: 955). Invitae Evidence Modeling of protein sequence and biophysical properties (such as structural, functional, and spatial information, amino acid conservation, physicochemical variation, residue mobility, and thermodynamic stability) has been performed for this missense variant. However, the output from this modeling did not meet the statistical confidence thresholds required to predict the impact of this variant on OCA2 protein function. Experimental studies have shown that this missense change affects OCA2 function (PMID: 8980282, 25513726). For these reasons, this variant has been classified as Pathogenic.

Otogenetics
Classification: Pathogenic for Tyrosinase-positive oculocutaneous albinism. Last evaluated: 2026-01-16. Review status: criteria provided, single submitter. Criteria: ACMG Guidelines, 2015. Collection method: clinical testing. Allele origin: germline.
Comment: PM1: Non-truncating non-synonymous variant located in a well-established functional domain (N-terminal re-entrant loop) of protein product (PMID: 37431738); PM3_VeryStrong: Variant reported in homozygous state or in trans with multiple pathogenic variants in 46 individuals affected with oculocutaneous albinism (PMID: 29345414); PP3: In-silico models predict deleterious effect (Revel = 0.75, BayesDel = 0.34)

Dasa
Classification: Pathogenic. Last evaluated: 2026-01-09. Review status: criteria provided, single submitter. Criteria: DASA Assertion Criteria. Collection method: clinical testing. Allele origin: germline.
Comment: NM_000275.3(OCA2):c.1327G>A (p.Val443Ile) is a missense variant that results in the substitution of valine with isoleucine. The affected residue or protein region has prior evidence supporting clinical relevance. This variant has been observed in affected individuals with related phenotype in a genotype context consistent with recessive disease (PMID: 8302318; PMID: 20019752; PMID: 23744323; PMID: 18463683). Functional evidence supports a deleterious effect on the gene or gene product (PMID: 8302318; PMID: 20019752; PMID: 23744323; PMID: 18463683). This variant has been recurrently observed in individuals with related phenotype (PMID: 8302318; PMID: 20019752; PMID: 23744323; PMID: 18463683). Multiple computational predictions support a deleterious effect on the gene or gene product. The variant is present at low frequency in population datasets. Based on the available data, this variant is classified as pathogenic.

Variantyx, Inc.
Classification: Pathogenic for Autosomal recessive OCA2-related disorders. Last evaluated: 2025-10-31. Review status: criteria provided, single submitter. Criteria: Variantyx Assertion Criteria 2022. Collection method: clinical testing. Allele origin: germline. Inheritance: Autosomal recessive inheritance. Affected: yes.
Comment: This is a nonsynonymous variant in the OCA2 gene (OMIM: 611409). Pathogenic variants in this gene have been associated with autosomal recessive OCA2-related disorders. This variant has been reported in the homozygous or compound heterozygous state in many unrelated affected individuals (PMID: 8302318, 28976636, 36950135, 30665703) (PM3). Functional studies have shown that this variant alters OCA2 protein function (PMID: 25513726) (PS3_Moderate), and multiple computational algorithms predict a deleterious effect for this variant (REVEL score: 0.747) (PP3). Moreover, the alteration lies within a known hotspot for pathogenic variants or a well-established critical functional domain of the OCA2 protein (PMID: 25513726) (PM1). This variant has a 0.7534% maximum allele frequency in non-founder control populations. Based on the current evidence, this variant is classified as pathogenic for autosomal recessive OCA2-related disorders.

MVZ Martinsried, Medicover Genetics
Classification: Pathogenic for Tyrosinase-positive oculocutaneous albinism. Last evaluated: 2025-10-15. Review status: criteria provided, single submitter. Criteria: ClinGen Variant Curation SOP V3.2 + Classification Guidance July2025. Collection method: clinical testing. Allele origin: inherited. Affected: yes. Observed: 1 homozygote.
Comment: PS4_Moderate, PM5, PM1_Supporting, PM3_VeryStrong, PP3, PP4. Confirmed in trans with variant NM_000275.3(OCA2):c.403G>T.

NM_000275.3(OCA2):c.1327G>A (p.Val443Ile)

Gene: OCA2 (OCA2 melanosomal transmembrane protein; minus strand). Cytogenetic location: 15q13.1.
Variant type: single nucleotide variant.
Coding change: c.1327G>A on transcript NM_000275.3 (MANE Select); coding-DNA position 1327, G replaced by A.
Protein change: p.Val443Ile; replaces valine 443 with isoleucine.
Molecular consequence: missense variant.
Genome position (GRCh38, 1-based): chr15:27,985,101, C>T on the plus strand (G>A on the coding strand, the complement: OCA2 is on the minus strand). VCF-style: chr15-27985101-C-T. GRCh37 (hg19) VCF-style: chr15-28230247-C-T.
Other names: c.1255G>A, p.Val419Ile (NM_001300984.2); short protein forms V443I, V419I.
Identifiers: ClinVar variation 955 (VCV000000955.118), dbSNP rs121918166, ClinGen allele CA251634.